The following is an entry in ClinVar:

ClinVar aggregate classification (germline): Uncertain significance. Review status: criteria provided, multiple submitters, no conflicts (2 of 4 stars). 2 submissions from 2 submitters: Uncertain significance (2). Last evaluated 2025-01-08.

Conditions:
T-B+ severe combined immunodeficiency due to JAK3 deficiency. Also called: SCID, T CELL-NEGATIVE, B CELL-POSITIVE, NK CELL-NEGATIVE; SCID, autosomal recessive, T-negative/B-positive type. Identifiers: Orphanet 35078, MedGen C1833275, MONDO:0010938, OMIM 600802.
Inborn genetic diseases. Identifiers: MedGen C0950123, MeSH D030342.

Allele frequency attached by ClinVar (database versions not stated): ExAC 0.00002; gnomAD exomes 0.00002.

Submissions (2):

Ambry Genetics
Classification: Uncertain significance for Inborn genetic diseases. Last evaluated: 2025-01-08. Review status: criteria provided, single submitter. Criteria: Ambry Variant Classification Scheme 2023. Collection method: clinical testing. Allele origin: germline.

Labcorp Genetics (formerly Invitae), Labcorp
Classification: Uncertain significance for T-B+ severe combined immunodeficiency due to JAK3 deficiency. Last evaluated: 2022-02-24. Review status: criteria provided, single submitter. Criteria: Invitae Variant Classification Sherloc (09022015). Collection method: clinical testing. Allele origin: germline.
Comment: This sequence change replaces alanine, which is neutral and non-polar, with threonine, which is neutral and polar, at codon 560 of the JAK3 protein (p.Ala560Thr). This variant is present in population databases (rs771634723, gnomAD 0.004%). This variant has not been reported in the literature in individuals affected with JAK3-related conditions. ClinVar contains an entry for this variant (Variation ID: 582570). Advanced modeling of protein sequence and biophysical properties (such as structural, functional, and spatial information, amino acid conservation, physicochemical variation, residue mobility, and thermodynamic stability) performed at Invitae indicates that this missense variant is not expected to disrupt JAK3 protein function. In summary, the available evidence is currently insufficient to determine the role of this variant in disease. Therefore, it has been classified as a Variant of Uncertain Significance.

NM_000215.4(JAK3):c.1678G>A (p.Ala560Thr)

Gene: JAK3 (Janus kinase 3; minus strand). Cytogenetic location: 19p13.11.
Variant type: single nucleotide variant.
Coding change: c.1678G>A on transcript NM_000215.4 (MANE Select); coding-DNA position 1678, G replaced by A.
Protein change: p.Ala560Thr; replaces alanine 560 with threonine.
Molecular consequence: missense variant.
Genome position (GRCh38, 1-based): chr19:17,837,955, C>T on the plus strand (G>A on the coding strand, the complement: JAK3 is on the minus strand). VCF-style: chr19-17837955-C-T. GRCh37 (hg19) VCF-style: chr19-17948764-C-T.
Other names: short protein forms A560T.
Identifiers: ClinVar variation 582570 (VCV000582570.7), dbSNP rs771634723, ClinGen allele CA9301818.
Genomic context (GRCh38, chr19:17,837,955, plus strand): 5'-GCCCCGACTCCAAAAGTCTGGTCCACATTGCTCTCACCTCCATGCAGTTCTTGTGCTTGG[C>T]ATCCATGACCTTCAGCAGCACCTCTGTCTTTCGGGCCTCCCCATCCACCACCTCATGGCG-3'
Protein context (NP_000206.2, residues 550-570): KTEVLLKVMD[Ala560Thr]KHKNCMESFL